The following is an entry in ClinVar:

NM_025137.4(SPG11):c.811G>A (p.Ala271Thr)

Gene: SPG11 (SPG11 vesicle trafficking associated, spatacsin; minus strand). Cytogenetic location: 15q21.1.
Variant type: single nucleotide variant.
Coding change: c.811G>A on transcript NM_025137.4 (MANE Select); coding-DNA position 811, G replaced by A.
Protein change: p.Ala271Thr; replaces alanine 271 with threonine.
Molecular consequence: missense variant.
Genome position (GRCh38, 1-based): chr15:44,657,153, C>T on the plus strand (G>A on the coding strand, the complement: SPG11 is on the minus strand). VCF-style: chr15-44657153-C-T. GRCh37 (hg19) VCF-style: chr15-44949351-C-T.
Other names: c.811G>A, p.Ala271Thr (NM_001160227.2); short protein forms A271T.
Identifiers: ClinVar variation 534841 (VCV000534841.9), dbSNP rs770722777, ClinGen allele CA7535716.
Genomic context (GRCh38, chr15:44,657,153, plus strand): 5'-ACCTGAAATACAAATTTAAGTTAAGAGCAACTGCGGAGTTGGAGGAGCTGACAATCACTG[C>T]AACATCGAGGTCTTGAGAAACTTTCAGTGAAGTAAATGAAGAAATCTTGGCTGGCTCCTG-3'
Protein context (NP_079413.3, residues 261-281): SLKVSQDLDV[Ala271Thr]VIVSSSNSAV

ClinVar aggregate classification (germline): Uncertain significance (1 of 4 stars; one submission).

Conditions:
Hereditary spastic paraplegia 11. Also called: Nakamura Osame syndrome; Autosomal recessive hereditary spastic paraplegia, mental impairment, and thin corpus callosum; Spastic paraplegia, mental retardation and thin corpus callosum; SPASTIC PARAPLEGIA, AUTOSOMAL RECESSIVE, COMPLICATED, WITH THIN CORPUS CALLOSUM; SPASTIC PARAPLEGIA, AUTOSOMAL RECESSIVE, WITH MENTAL IMPAIRMENT AND THIN CORPUS CALLOSUM; Spastic Paraplegia 11. Identifiers: Orphanet 2822, MedGen C1858479, MONDO:0011445, OMIM 604360.

Allele frequency attached by ClinVar (database versions not stated): gnomAD exomes below 0.00001; ExAC 0.00001; gnomAD 0.00001; TOPMed 0.00001.
gnomAD v4.1: 2 of 1,614,052 alleles (0.00012%); highest among the groups gnomAD compares: African/African-American, 0.0027%; no homozygotes.

Submission:

Labcorp Genetics (formerly Invitae), Labcorp
Classification: Uncertain significance for Hereditary spastic paraplegia 11. Last evaluated: 2018-11-07. Review status: criteria provided, single submitter. Criteria: Invitae Variant Classification Sherloc (09022015). Collection method: clinical testing. Allele origin: germline.
Comment: In summary, the available evidence is currently insufficient to determine the role of this variant in disease. Therefore, it has been classified as a Variant of Uncertain Significance. Algorithms developed to predict the effect of missense changes on protein structure and function (SIFT, PolyPhen-2, Align-GVGD) all suggest that this variant is likely to be tolerated, but these predictions have not been confirmed by published functional studies and their clinical significance is uncertain. This variant has not been reported in the literature in individuals with SPG11-related disease. This variant is present in population databases (rs770722777, ExAC 0.01%). This sequence change replaces alanine with threonine at codon 271 of the SPG11 protein (p.Ala271Thr). The alanine residue is weakly conserved and there is a small physicochemical difference between alanine and threonine.